The following is an entry in ClinVar:

ClinVar aggregate classification (germline): Uncertain significance. Review status: criteria provided, multiple submitters, no conflicts (2 of 4 stars). 2 submissions from 2 submitters: Uncertain significance (2). Last evaluated 2026-08-31.

Conditions:
SPTAN1-related disorder. Also called: SPTAN1-related disorders; SPTAN1-related condition.
Early-infantile DEE. Also called: Early infantile epileptic encephalopathy with suppression bursts; Early infantile epileptic encephalopathy; Ohtahara syndrome. Identifiers: Orphanet 1934, MedGen C0393706, MONDO:0800491.

Submissions (2):

PreventionGenetics, part of Exact Sciences
Classification: Uncertain significance for SPTAN1-related condition. Last evaluated: 2026-08-31. Review status: criteria provided, single submitter. Criteria: ACMG Guidelines, 2015. Collection method: clinical testing. Allele origin: germline.
Comment: The SPTAN1 c.7324C>A variant is predicted to result in the amino acid substitution p.Gln2442Lys. To our knowledge, this variant has not been reported in the literature. This variant is absent in a large population database (gnomAD), indicating this variant is rare. At this time, the clinical significance of this variant is uncertain due to the absence of conclusive functional and genetic evidence.

Labcorp Genetics (formerly Invitae), Labcorp
Classification: Uncertain significance for Early-infantile DEE. Last evaluated: 2023-08-04. Review status: criteria provided, single submitter. Criteria: Invitae Variant Classification Sherloc (09022015). Collection method: clinical testing. Allele origin: germline.
Comment: This sequence change replaces glutamine, which is neutral and polar, with lysine, which is basic and polar, at codon 2442 of the SPTAN1 protein (p.Gln2442Lys). This variant is not present in population databases (gnomAD no frequency). This variant has not been reported in the literature in individuals affected with SPTAN1-related conditions. ClinVar contains an entry for this variant (Variation ID: 1488225). Advanced modeling of protein sequence and biophysical properties (such as structural, functional, and spatial information, amino acid conservation, physicochemical variation, residue mobility, and thermodynamic stability) has been performed at Invitae for this missense variant, however the output from this modeling did not meet the statistical confidence thresholds required to predict the impact of this variant on SPTAN1 protein function. In summary, the available evidence is currently insufficient to determine the role of this variant in disease. Therefore, it has been classified as a Variant of Uncertain Significance.

NM_001130438.3(SPTAN1):c.7324C>A (p.Gln2442Lys)

Gene: SPTAN1 (spectrin alpha, non-erythrocytic 1; plus strand). Cytogenetic location: 9q34.11.
Variant type: single nucleotide variant.
Coding change: c.7324C>A on transcript NM_001130438.3 (MANE Select); coding-DNA position 7324, C replaced by A.
Protein change: p.Gln2442Lys; replaces glutamine 2442 with lysine.
Molecular consequence: missense variant.
Genome position (GRCh38, 1-based): chr9:128,633,224, C>A. VCF-style: chr9-128633224-C-A. GRCh37 (hg19) VCF-style: chr9-131395503-C-A.
Other names: c.7249C>A, p.Gln2417Lys (NM_001195532.2); c.7387C>A, p.Gln2463Lys (NM_001363759.2); c.7264C>A, p.Gln2422Lys (NM_001363765.2, NM_001375314.2); c.7411C>A, p.Gln2471Lys (NM_001375310.1); c.7324C>A, p.Gln2442Lys (NM_001375311.2); c.7360C>A, p.Gln2454Lys (NM_001375312.2); c.7306C>A, p.Gln2436Lys (NM_001375313.1); c.7423C>A, p.Gln2475Lys (NM_001375318.1); and 2 more; short protein forms Q2417K, Q2437K, Q2463K, Q2471K, Q2436K, Q2422K, Q2442K, Q2454K.
Identifiers: ClinVar variation 1488225 (VCV001488225.8), dbSNP rs2132117718, ClinGen allele CA375103343.